The following is an entry in ClinVar:

ClinVar aggregate classification (germline): Conflicting classifications of pathogenicity. Review status: criteria provided, conflicting classifications (1 of 4 stars). 3 submissions from 3 submitters: Uncertain significance (2); Likely benign (1). Last evaluated 2025-12-17.

Conditions:
Cardiovascular phenotype. Identifiers: MedGen CN230736.
Brugada syndrome. Also called: Sudden unexplained nocturnal death syndrome; Sudden Unexplained Death Syndrome; Sudden Unexplained Nocturnal Death Syndrome (SUNDS); Sudden unexpected nocturnal death syndrome. Identifiers: Orphanet 130, MedGen C1142166, MONDO:0015263.

Allele frequency attached by ClinVar (database versions not stated): gnomAD exomes 0.00001 and 0.00003; gnomAD 0.00007 and 0.00008; TOPMed 0.00008.
gnomAD v4.1: 28 of 1,614,076 alleles (0.0017%); highest among the groups gnomAD compares: African/African-American, 0.029%; no homozygotes.

Submissions (3):

Labcorp Genetics (formerly Invitae), Labcorp
Classification: Uncertain significance for Brugada syndrome. Last evaluated: 2025-12-17. Review status: criteria provided, single submitter. Criteria: Invitae Variant Classification Sherloc (09022015). Collection method: clinical testing. Allele origin: germline.
Comment: This sequence change replaces leucine, which is neutral and non-polar, with valine, which is neutral and non-polar, at codon 1238 of the SCN10A protein (p.Leu1238Val). This variant is present in population databases (no rsID available, gnomAD 0.02%). This variant has not been reported in the literature in individuals affected with SCN10A-related conditions. ClinVar contains an entry for this variant (Variation ID: 423996). Invitae Evidence Modeling of protein sequence and biophysical properties (such as structural, functional, and spatial information, amino acid conservation, physicochemical variation, residue mobility, and thermodynamic stability) indicates that this missense variant is not expected to disrupt SCN10A protein function with a negative predictive value of 80%. In summary, the available evidence is currently insufficient to determine the role of this variant in disease. Therefore, it has been classified as a Variant of Uncertain Significance.

GeneDx
Classification: Uncertain significance. Last evaluated: 2022-09-27. Review status: criteria provided, single submitter. Criteria: GeneDx Variant Classification Process June 2021. Collection method: clinical testing. Allele origin: germline. Affected: yes.
Comment: Has not been previously published as pathogenic or benign to our knowledge; In silico analysis supports that this missense variant does not alter protein structure/function

Ambry Genetics
Classification: Likely benign for Cardiovascular phenotype. Last evaluated: 2021-08-17. Review status: criteria provided, single submitter. Criteria: Ambry Variant Classification Scheme 2023. Collection method: clinical testing. Allele origin: germline.

NM_006514.4(SCN10A):c.3712C>G (p.Leu1238Val)

Gene: SCN10A (sodium voltage-gated channel alpha subunit 10; minus strand). Cytogenetic location: 3p22.2.
Variant type: single nucleotide variant.
Coding change: c.3712C>G on transcript NM_006514.4 (MANE Select); coding-DNA position 3712, C replaced by G.
Protein change: p.Leu1238Val; replaces leucine 1238 with valine.
Molecular consequence: missense variant.
Genome position (GRCh38, 1-based): chr3:38,714,050, G>C on the plus strand (C>G on the coding strand, the complement: SCN10A is on the minus strand). VCF-style: chr3-38714050-G-C. GRCh37 (hg19) VCF-style: chr3-38755541-G-C.
Other names: c.3709C>G, p.Leu1237Val (NM_001293306.2); c.3418C>G, p.Leu1140Val (NM_001293307.2); short protein forms L1238V, L1140V, L1237V.
Identifiers: ClinVar variation 423996 (VCV000423996.12), dbSNP rs960602539, ClinGen allele CA16617957.